The following is an entry in ClinVar:

NM_002485.5(NBN):c.1921G>A (p.Asp641Asn)

Gene: NBN (nibrin; minus strand). Cytogenetic location: 8q21.3.
Variant type: single nucleotide variant.
Coding change: c.1921G>A on transcript NM_002485.5 (MANE Select); coding-DNA position 1921, G replaced by A.
Protein change: p.Asp641Asn; replaces aspartic acid 641 with asparagine.
Molecular consequence: missense variant.
Genome position (GRCh38, 1-based): chr8:89,946,289, C>T on the plus strand (G>A on the coding strand, the complement: NBN is on the minus strand). VCF-style: chr8-89946289-C-T. GRCh37 (hg19) VCF-style: chr8-90958517-C-T.
Other names: c.1675G>A, p.Asp559Asn (NM_001024688.3); short protein forms D641N, D559N.
Identifiers: ClinVar variation 651978 (VCV000651978.9), dbSNP rs1586040820, ClinGen allele CA371676801.
Genomic context (GRCh38, chr8:89,946,289, plus strand): 5'-ATCTAAATTCAGTCAATAACAGCTTTTTTGGAAGCATCTCACTATCATCCTGAAGTTTGT[C>T]ATTGTTCTTAAATGGGGTTAAGATGGATAGGTAAGAAAGAGAAGAAATAACAAAGAAAAG-3'
Protein context (NP_002476.2, residues 631-651): LWSAKEISNN[Asp641Asn]KLQDDSEMLP

ClinVar aggregate classification (germline): Uncertain significance. Review status: criteria provided, multiple submitters, no conflicts (2 of 4 stars). 2 submissions from 2 submitters: Uncertain significance (2). Last evaluated 2026-03-29.

Conditions:
Microcephaly, normal intelligence and immunodeficiency (NBS). Also called: Ataxia telangiectasia variant V1; BERLIN BREAKAGE SYNDROME; Immunodeficiency, microcephaly with normal intelligence; SEEMANOVA SYNDROME II; IMMUNODEFICIENCY, MICROCEPHALY, AND CHROMOSOMAL INSTABILITY; Nijmegen breakage syndrome. Identifiers: Orphanet 647, MedGen C0398791, MONDO:0009623, OMIM 251260.
Hereditary cancer-predisposing syndrome. Also called: Tumor predisposition; Hereditary Cancer Syndrome; Neoplastic Syndromes, Hereditary; Hereditary neoplastic syndrome. Identifiers: Orphanet 140162, MedGen C0027672, MeSH D009386, MONDO:0015356.

Submissions (2):

Ambry Genetics
Classification: Uncertain significance for Hereditary cancer-predisposing syndrome. Last evaluated: 2026-03-29. Review status: criteria provided, single submitter. Criteria: Ambry Variant Classification Scheme 2023. Collection method: clinical testing. Allele origin: germline.
Comment: The p.D641N variant (also known as c.1921G>A), located in coding exon 13 of the NBN gene, results from a G to A substitution at nucleotide position 1921. The aspartic acid at codon 641 is replaced by asparagine, an amino acid with highly similar properties. This amino acid position is conserved. In addition, this alteration is predicted to be tolerated by in silico analysis. Based on the available evidence, the clinical significance of this variant remains unclear.

Labcorp Genetics (formerly Invitae), Labcorp
Classification: Uncertain significance for Microcephaly, normal intelligence and immunodeficiency. Last evaluated: 2018-08-14. Review status: criteria provided, single submitter. Criteria: Invitae Variant Classification Sherloc (09022015). Collection method: clinical testing. Allele origin: germline.
Comment: In summary, the available evidence is currently insufficient to determine the role of this variant in disease. Therefore, it has been classified as a Variant of Uncertain Significance. Algorithms developed to predict the effect of missense changes on protein structure and function (SIFT, PolyPhen-2, Align-GVGD) all suggest that this variant is likely to be tolerated, but these predictions have not been confirmed by published functional studies and their clinical significance is uncertain. This variant has not been reported in the literature in individuals with NBN-related disease. This variant is not present in population databases (ExAC no frequency). This sequence change replaces aspartic acid with asparagine at codon 641 of the NBN protein (p.Asp641Asn). The aspartic acid residue is weakly conserved and there is a small physicochemical difference between aspartic acid and asparagine.